The following is an entry in ClinVar:

ClinVar aggregate classification (germline): Uncertain significance (1 of 4 stars; one submission).

Conditions:
Holoprosencephaly 5 (HPE5). Identifiers: Orphanet 2162, MedGen C1864827, MONDO:0012322, OMIM 609637.

Submission:

Labcorp Genetics (formerly Invitae), Labcorp
Classification: Uncertain significance for Holoprosencephaly 5. Last evaluated: 2024-08-02. Review status: criteria provided, single submitter. Criteria: Invitae Variant Classification Sherloc (09022015). Collection method: clinical testing. Allele origin: germline.
Comment: This sequence change replaces glycine, which is neutral and non-polar, with cysteine, which is neutral and slightly polar, at codon 503 of the ZIC2 protein (p.Gly503Cys). This variant is not present in population databases (gnomAD no frequency). This variant has not been reported in the literature in individuals affected with ZIC2-related conditions. Experimental studies and prediction algorithms are not available or were not evaluated, and the functional significance of this variant is currently unknown. In summary, the available evidence is currently insufficient to determine the role of this variant in disease. Therefore, it has been classified as a Variant of Uncertain Significance.

NM_007129.5(ZIC2):c.1507G>T (p.Gly503Cys)

Gene: ZIC2 (Zic family zinc finger 2; plus strand). Cytogenetic location: 13q32.3.
Variant type: single nucleotide variant.
Coding change: c.1507G>T on transcript NM_007129.5 (MANE Select); coding-DNA position 1507, G replaced by T.
Protein change: p.Gly503Cys; replaces glycine 503 with cysteine.
Molecular consequence: missense variant.
Genome position (GRCh38, 1-based): chr13:99,985,590, G>T. VCF-style: chr13-99985590-G-T. GRCh37 (hg19) VCF-style: chr13-100637844-G-T.
Other names: short protein forms G503C.
Identifiers: ClinVar variation 3621801 (VCV003621801.2).